The following is an entry in ClinVar:

ClinVar aggregate classification (germline): Uncertain significance (1 of 4 stars; one submission).

Conditions:
Hereditary cancer-predisposing syndrome. Also called: Neoplastic Syndromes, Hereditary; Tumor predisposition; Hereditary Cancer Syndrome; Hereditary neoplastic syndrome. Identifiers: Orphanet 140162, MedGen C0027672, MeSH D009386, MONDO:0015356.

Submission:

Ambry Genetics
Classification: Uncertain significance for Hereditary cancer-predisposing syndrome. Last evaluated: 2026-02-27. Review status: criteria provided, single submitter. Criteria: Ambry Variant Classification Scheme 2023. Collection method: clinical testing. Allele origin: germline.
Comment: The p.C809S variant (also known as c.2426G>C), located in coding exon 17 of the KIT gene, results from a G to C substitution at nucleotide position 2426. The cysteine at codon 809 is replaced by serine, an amino acid with dissimilar properties. This amino acid position is highly conserved in available vertebrate species. In addition, this alteration is predicted to be deleterious by in silico analysis. Based on the available evidence, the clinical significance of this variant remains unclear.

NM_000222.3(KIT):c.2426G>C (p.Cys809Ser)

Gene: KIT (KIT proto-oncogene, receptor tyrosine kinase; plus strand). Cytogenetic location: 4q12.
Variant type: single nucleotide variant.
Coding change: c.2426G>C on transcript NM_000222.3 (MANE Select); coding-DNA position 2426, G replaced by C.
Protein change: p.Cys809Ser; replaces cysteine 809 with serine.
Molecular consequence: missense variant.
Genome position (GRCh38, 1-based): chr4:54,733,134, G>C. VCF-style: chr4-54733134-G-C. GRCh37 (hg19) VCF-style: chr4-55599300-G-C.
Other names: c.2414G>C, p.Cys805Ser (NM_001093772.2, NM_001385292.1); c.2429G>C, p.Cys810Ser (NM_001385284.1); c.2423G>C, p.Cys808Ser (NM_001385285.1); c.2411G>C, p.Cys804Ser (NM_001385286.1); c.2417G>C, p.Cys806Ser (NM_001385288.1); c.2426G>C, p.Cys809Ser (NM_001385290.1); short protein forms C805S, C808S, C809S, C810S, C806S, C804S.
Identifiers: ClinVar variation 4825610 (VCV004825610.1).
Genomic context (GRCh38, chr4:54,733,134, plus strand): 5'-TTCACAGAGACTTGGCAGCCAGAAATATCCTCCTTACTCATGGTCGGATCACAAAGATTT[G>C]TGATTTTGGTCTAGCCAGAGACATCAAGAATGATTCTAATTATGTGGTTAAAGGAAACGT-3'
Protein context (NP_000213.1, residues 799-819): LLTHGRITKI[Cys809Ser]DFGLARDIKN